The following is an entry in ClinVar:

NM_001013838.3(CARMIL2):c.351G>A (p.Lys117=)

Gene: CARMIL2 (capping protein regulator and myosin 1 linker 2; plus strand). Cytogenetic location: 16q22.1.
Variant type: single nucleotide variant.
Coding change: c.351G>A on transcript NM_001013838.3 (MANE Select); coding-DNA position 351, G replaced by A.
Protein change: p.Lys117=; no amino-acid change (lysine 117 retained).
Molecular consequence: synonymous variant.
Genome position (GRCh38, 1-based): chr16:67,646,287, G>A. VCF-style: chr16-67646287-G-A. GRCh37 (hg19) VCF-style: chr16-67680190-G-A.
Other names: c.351G>A, p.Lys117= (NM_001317026.3).
Identifiers: ClinVar variation 1540633 (VCV001540633.31), dbSNP rs372500658, ClinGen allele CA8113025.
Genomic context (GRCh38, chr16:67,646,287, plus strand): 5'-GTTTCCTGGTGTGGCCGCCCTGGAACAGCTGGCCCAGCACGTGGCTGCAGCCATCAAGAA[G>A]GTCTTCCCTCGCTCGACCCTTGGGTGAGGCCTGGCAAATTCGAGGGGCTGGCAGGGGAGG-3'
Protein context (NP_001013860.1, residues 107-127): LAQHVAAAIK[Lys117=]VFPRSTLGKL

ClinVar aggregate classification (germline): Likely benign. Review status: criteria provided, multiple submitters, no conflicts (2 of 4 stars). 4 submissions from 4 submitters: Likely benign (4). Last evaluated 2026-01-26.

Allele frequency attached by ClinVar (database versions not stated): ExAC 0.00009; gnomAD exomes 0.00012 and 0.00031; TOPMed 0.00014; gnomAD 0.00015; ESP Exome Variant Server 0.00016.
gnomAD v4.1: 524 of 1,613,600 alleles (0.032%); highest among the groups gnomAD compares: Non-Finnish European, 0.039%; no homozygotes.

Submissions (4):

Labcorp Genetics (formerly Invitae), Labcorp
Classification: Likely benign. Last evaluated: 2026-01-26. Review status: criteria provided, single submitter. Criteria: Invitae Variant Classification Sherloc (09022015). Collection method: clinical testing. Allele origin: germline.

Blueprint Genetics
Classification: Likely benign. Last evaluated: 2024-10-28. Review status: criteria provided, single submitter. Criteria: ACMG Guidelines, 2015. Collection method: clinical testing. Allele origin: germline.

CeGaT Center for Human Genetics Tuebingen
Classification: Likely benign. Last evaluated: 2024-06-01. Review status: criteria provided, single submitter. Criteria: CeGaT Center For Human Genetics Tuebingen Variant Classification Criteria Version 2. Collection method: clinical testing. Allele origin: germline. Affected: yes. Observed: 2 variant alleles.
Comment: CARMIL2: BP4, BP7

Breakthrough Genomics
Classification: Likely benign. Review status: criteria provided, single submitter. Criteria: ACMG Guidelines, 2015. Collection method: not provided. Allele origin: germline. Inheritance: Autosomal recessive inheritance. Affected: yes.